The following is an entry in ClinVar:

NM_001453.3(FOXC1):c.1159G>T (p.Ala387Ser)

Gene: FOXC1 (forkhead box C1; plus strand). Cytogenetic location: 6p25.3.
Variant type: single nucleotide variant.
Coding change: c.1159G>T on transcript NM_001453.3 (MANE Select); coding-DNA position 1159, G replaced by T.
Protein change: p.Ala387Ser; replaces alanine 387 with serine.
Molecular consequence: missense variant.
Genome position (GRCh38, 1-based): chr6:1,611,604, G>T. VCF-style: chr6-1611604-G-T. GRCh37 (hg19) VCF-style: chr6-1611839-G-T.
Other names: short protein forms A387S.
Identifiers: ClinVar variation 4742558 (VCV004742558.1).

ClinVar aggregate classification (germline): Uncertain significance (1 of 4 stars; one submission).

Conditions:
Axenfeld-Rieger syndrome type 3 (RIEG3). Also called: AXENFELD-RIEGER ANOMALY WITH CARDIAC DEFECTS AND/OR SENSORINEURAL HEARING LOSS. Identifiers: Orphanet 782, MedGen C2678503, MONDO:0011233, OMIM 602482.

Submission:

Labcorp Genetics (formerly Invitae), Labcorp
Classification: Uncertain significance for Axenfeld-Rieger syndrome type 3. Last evaluated: 2025-08-18. Review status: criteria provided, single submitter. Criteria: Invitae Variant Classification Sherloc (09022015). Collection method: clinical testing. Allele origin: germline.
Comment: This sequence change replaces alanine, which is neutral and non-polar, with serine, which is neutral and polar, at codon 387 of the FOXC1 protein (p.Ala387Ser). The frequency data for this variant in the population databases is considered unreliable, as metrics indicate insufficient coverage at this position in the gnomAD database. This variant has not been reported in the literature in individuals affected with FOXC1-related conditions. An algorithm developed to predict the effect of missense changes on protein structure and function (PolyPhen-2) suggests that this variant is likely to be tolerated. In summary, the available evidence is currently insufficient to determine the role of this variant in disease. Therefore, it has been classified as a Variant of Uncertain Significance.